The following is an entry in ClinVar:

ClinVar aggregate classification (germline): Pathogenic/Likely pathogenic. Review status: criteria provided, multiple submitters, no conflicts (2 of 4 stars). 7 submissions from 7 submitters: Pathogenic (6); Likely pathogenic (1). Last evaluated 2026-02-05.

Conditions:
ACAD9-related disorder. Also called: ACAD9-related condition.
Acyl-CoA dehydrogenase 9 deficiency. Also called: Acyl-CoA dehydrogenase family, member 9, deficiency of; MITOCHONDRIAL COMPLEX I DEFICIENCY, NUCLEAR TYPE 20. Identifiers: Orphanet 99901, MedGen C4747517, MONDO:0012624, OMIM 611126.

Allele frequency attached by ClinVar (database versions not stated): ExAC 0.00001; gnomAD 0.00001 and 0.00002; TOPMed 0.00001.
gnomAD v4.1: 24 of 1,614,100 alleles (0.0015%); highest among the groups gnomAD compares: South Asian, 0.0066%; no homozygotes.

Submissions (7):

GeneDx
Classification: Pathogenic. Last evaluated: 2026-02-05. Review status: criteria provided, single submitter. Criteria: GeneDx Variant Classification Process June 2021. Collection method: clinical testing. Allele origin: germline. Affected: yes.
Comment: Not observed at significant frequency in large population cohorts (gnomAD); In silico analysis supports that this missense variant has a deleterious effect on protein structure/function; This variant is associated with the following publications: (PMID: 31589614, 34646991, 32746448, 27438479, 28070495, 23836383, 34406647, 32870709, 37240454, 37923198, 27843283, 30025539, 40149709, 40806260)

Labcorp Genetics (formerly Invitae), Labcorp
Classification: Pathogenic. Last evaluated: 2025-12-21. Review status: criteria provided, single submitter. Criteria: Invitae Variant Classification Sherloc (09022015). Collection method: clinical testing. Allele origin: germline.
Comment: This sequence change replaces arginine, which is basic and polar, with cysteine, which is neutral and slightly polar, at codon 414 of the ACAD9 protein (p.Arg414Cys). This variant is present in population databases (rs777282696, gnomAD 0.006%). This missense change has been observed in individuals with mitochondrial complex I deficiency (PMID: 23836383, 27438479, 30025539). ClinVar contains an entry for this variant (Variation ID: 420048). Invitae Evidence Modeling of protein sequence and biophysical properties (such as structural, functional, and spatial information, amino acid conservation, physicochemical variation, residue mobility, and thermodynamic stability) indicates that this missense variant is expected to disrupt ACAD9 protein function with a positive predictive value of 80%. This variant disrupts the p.Arg414 amino acid residue in ACAD9. Other variant(s) that disrupt this residue have been determined to be pathogenic (PMID: 27233227). This suggests that this residue is clinically significant, and that variants that disrupt this residue are likely to be disease-causing. For these reasons, this variant has been classified as Pathogenic.

Natera, Inc.
Classification: Pathogenic for ACAD9 deficiency. Last evaluated: 2025-07-29. Review status: criteria provided, single submitter. Criteria: Natera Variant Classification Schema (03/2026). Collection method: clinical testing. Allele origin: germline.
Comment: The c.1240C>T variant in ACAD9 is a missense variant predicted to cause substitution of arginine to cysteine at amino acid 414. This variant is rare in the general population with a frequency below the threshold expected for the associated phenotype(s). This variant has been observed in one or more individuals affected with the associated recessive disease, as either homozygous or compound heterozygous with a second variant (PMID: 23836383, 37240454, 30025539, 31527676). Additionally, this variant has been observed to segregate in affected family members (PMID: 30025539). A different variant at the same position has been determined to be Pathogenic or Likely Pathogenic. Computational prediction algorithms indicate this variant is likely to affect gene or protein function. Given the available evidence, this variant is classified as Pathogenic.

Revvity Omics, Revvity
Classification: Likely pathogenic for Acyl-CoA dehydrogenase 9 deficiency. Last evaluated: 2024-05-30. Review status: criteria provided, single submitter. Criteria: ACMG Guidelines, 2015. Collection method: clinical testing. Allele origin: germline.

Fulgent Genetics
Classification: Pathogenic for Acyl-CoA dehydrogenase 9 deficiency. Last evaluated: 2024-04-23. Review status: criteria provided, single submitter. Criteria: ACMG Guidelines, 2015. Collection method: clinical testing. Allele origin: germline.

Genomic Medicine Center of Excellence, King Faisal Specialist Hospital and Research Centre
Classification: Pathogenic for Acyl-CoA dehydrogenase 9 deficiency. Last evaluated: 2024-03-26. Review status: criteria provided, single submitter. Criteria: ACMG Guidelines, 2015. Collection method: clinical testing. Allele origin: germline.

Blueprint Genetics
Classification: Pathogenic for ACAD9-related disorders. Last evaluated: 2024-03-21. Review status: criteria provided, single submitter. Criteria: ACMG Guidelines, 2015. Collection method: clinical testing. Allele origin: germline. Affected: yes. Observed: 5 variant alleles.

Literature cited by the submitters: PubMed 23836383 (cited by Labcorp Genetics (formerly Invitae), Labcorp and Natera, Inc.); PubMed 27438479 (cited by Labcorp Genetics (formerly Invitae), Labcorp); PubMed 30025539 (cited by Labcorp Genetics (formerly Invitae), Labcorp and Natera, Inc.); PubMed 27233227 (cited by Labcorp Genetics (formerly Invitae), Labcorp); PubMed 37240454 (cited by Natera, Inc.); PubMed 31527676 (cited by Natera, Inc.).

NM_014049.5(ACAD9):c.1240C>T (p.Arg414Cys)

Gene: ACAD9 (acyl-CoA dehydrogenase family member 9; plus strand). Cytogenetic location: 3q21.3.
Variant type: single nucleotide variant.
Coding change: c.1240C>T on transcript NM_014049.5 (MANE Select); coding-DNA position 1240, C replaced by T.
Protein change: p.Arg414Cys; replaces arginine 414 with cysteine.
Molecular consequence: missense variant. On other transcripts: non-coding transcript variant (1).
Genome position (GRCh38, 1-based): chr3:128,906,211, C>T. VCF-style: chr3-128906211-C-T. GRCh37 (hg19) VCF-style: chr3-128625054-C-T.
Other names: short protein forms R414C.
Identifiers: ClinVar variation 420048 (VCV000420048.22), dbSNP rs777282696, ClinGen allele CA2601442.